The following is an entry in ClinVar:

NM_194248.3(OTOF):c.2723C>T (p.Ala908Val)

Gene: OTOF (otoferlin; minus strand). Cytogenetic location: 2p23.3.
Variant type: single nucleotide variant.
Coding change: c.2723C>T on transcript NM_194248.3 (MANE Select); coding-DNA position 2723, C replaced by T.
Protein change: p.Ala908Val; replaces alanine 908 with valine.
Molecular consequence: missense variant.
Genome position (GRCh38, 1-based): chr2:26,476,271, G>A on the plus strand (C>T on the coding strand, the complement: OTOF is on the minus strand). VCF-style: chr2-26476271-G-A. GRCh37 (hg19) VCF-style: chr2-26699139-G-A.
Other names: c.2723C>T, p.Ala908Val (NM_001287489.2); c.482C>T, p.Ala161Val (NM_004802.4, NM_194323.3); c.653C>T, p.Ala218Val (NM_194322.3); short protein forms A161V, A218V, A908V.
Identifiers: ClinVar variation 4781314 (VCV004781314.1).
Genomic context (GRCh38, chr2:26,476,271, plus strand): 5'-CCGCACAGGAACTCCTTGCGCTGTTTGCTGAGGCCCAGCCACAGGTACAGCTCCACCTTG[G>A]CCTGCACTGTCCAGCCTGCCGAGCCGAAGCCCCGCTTCCCTGGCAGCTGGGGGTGGGCAT-3'
Protein context (NP_919224.1, residues 898-918): GFGSAGWTVQ[Ala908Val]KVELYLWLGL

ClinVar aggregate classification (germline): Uncertain significance (1 of 4 stars; one submission).

Submission:

Labcorp Genetics (formerly Invitae), Labcorp
Classification: Uncertain significance. Last evaluated: 2025-10-19. Review status: criteria provided, single submitter. Criteria: Invitae Variant Classification Sherloc (09022015). Collection method: clinical testing. Allele origin: germline.
Comment: This sequence change replaces alanine, which is neutral and non-polar, with valine, which is neutral and non-polar, at codon 908 of the OTOF protein (p.Ala908Val). This variant is not present in population databases (gnomAD no frequency). This variant has not been reported in the literature in individuals affected with OTOF-related conditions. Invitae Evidence Modeling of protein sequence and biophysical properties (such as structural, functional, and spatial information, amino acid conservation, physicochemical variation, residue mobility, and thermodynamic stability) indicates that this missense variant is not expected to disrupt OTOF protein function with a negative predictive value of 95%. In summary, the available evidence is currently insufficient to determine the role of this variant in disease. Therefore, it has been classified as a Variant of Uncertain Significance.